The following is an entry in ClinVar:

NM_000026.4(ADSL):c.271C>T (p.His91Tyr)

Gene: ADSL (adenylosuccinate lyase; plus strand). Cytogenetic location: 22q13.1.
Variant type: single nucleotide variant.
Coding change: c.271C>T on transcript NM_000026.4 (MANE Select); coding-DNA position 271, C replaced by T.
Protein change: p.His91Tyr; replaces histidine 91 with tyrosine.
Molecular consequence: missense variant. On other transcripts: non-coding transcript variant (1).
Genome position (GRCh38, 1-based): chr22:40,349,949, C>T. VCF-style: chr22-40349949-C-T. GRCh37 (hg19) VCF-style: chr22-40745953-C-T.
Other names: c.271C>T, p.His91Tyr (NM_001123378.3, NM_001363840.3); c.79C>T, p.His27Tyr (NM_001317923.2); short protein forms H91Y, H27Y.
Identifiers: ClinVar variation 386381 (VCV000386381.4), dbSNP rs755518176, ClinGen allele CA10247658.

ClinVar aggregate classification (germline): Conflicting classifications of pathogenicity. Review status: criteria provided, conflicting classifications (1 of 4 stars). 3 submissions from 3 submitters: Likely pathogenic (1); Uncertain significance (2). Last evaluated 2024-01-11.

Conditions:
ADSL-related disorder. Also called: ADSL-related condition.
Adenylosuccinate lyase deficiency (ADSLD). Also called: ADSL DEFICIENCY. Identifiers: Orphanet 46, MedGen C0268126, MONDO:0007068, OMIM 103050.

Allele frequency attached by ClinVar (database versions not stated): gnomAD exomes below 0.00001 and 0.00001; ExAC 0.00001.
gnomAD v4.1: 4 of 1,614,124 alleles (0.00025%); highest among the groups gnomAD compares: Non-Finnish European, 0.00034%; no homozygotes.

Submissions (3):

Blueprint Genetics
Classification: Likely pathogenic for ADSL-related disorders. Last evaluated: 2024-01-11. Review status: criteria provided, single submitter. Criteria: ACMG Guidelines, 2015. Collection method: clinical testing. Allele origin: germline. Affected: yes. Observed: 5 variant alleles.

Fulgent Genetics
Classification: Uncertain significance for Adenylosuccinate lyase deficiency. Last evaluated: 2018-10-31. Review status: criteria provided, single submitter. Criteria: ACMG Guidelines, 2015. Collection method: clinical testing. Allele origin: unknown.

GeneDx
Classification: Uncertain significance. Last evaluated: 2017-08-15. Review status: criteria provided, single submitter. Criteria: GeneDx Variant Classification (06012015). Collection method: clinical testing. Allele origin: germline. Affected: yes.
Comment: A variant of uncertain significance has been identified in the ADSL gene. The H91Y variant has not been published as a pathogenic variant, nor has it been reported as a benign variant to our knowledge. It was not observed in approximately 6,500 individuals of European and African American ancestry in the NHLBI Exome Sequencing Project, indicating it is not a common benign variant in these populations. The H91Y variant is a non-conservative amino acid substitution, which is likely to impact secondary protein structure as these residues differ in polarity, charge, size and/or other properties. This substitution occurs at a position that is conserved across species and in silico analysis predicts this variant is probably damaging to the protein structure/function. Additionally, missense variants in nearby residues (D87E and P100A) have been reported in Human Gene Mutation Database in association with ADSL deficiency (Stenson et al., 2014), supporting the functional importance of this region of the protein. Based on the currently available information, it is unclear whether this variant is a pathogenic variant or a rare benign variant.